The following is an entry in ClinVar:

NM_004727.3(SLC24A1):c.1467G>T (p.Gln489His)

Gene: SLC24A1 (solute carrier family 24 member 1; plus strand). Cytogenetic location: 15q22.31.
Variant type: single nucleotide variant.
Coding change: c.1467G>T on transcript NM_004727.3 (MANE Select); coding-DNA position 1467, G replaced by T.
Protein change: p.Gln489His; replaces glutamine 489 with histidine.
Molecular consequence: missense variant.
Genome position (GRCh38, 1-based): chr15:65,625,547, G>T. VCF-style: chr15-65625547-G-T. GRCh37 (hg19) VCF-style: chr15-65917885-G-T.
Other names: c.1467G>T, p.Gln489His (NM_001301031.1, NM_001301032.1, NM_001301033.2); short protein forms Q489H.
Identifiers: ClinVar variation 964614 (VCV000964614.9), dbSNP rs375128733, ClinGen allele CA271588784.
Genomic context (GRCh38, chr15:65,625,547, plus strand): 5'-GGCCATTGTTTGCGACGAGTACTTCGTTCCAGCCCTGGGTGTCATCACAGACAAGCTGCA[G>T]ATCTCCGAGGATGTGGCAGGCGCCACATTCATGGCTGCTGGAGGCTCTGCTCCTGAGCTC-3'
Protein context (NP_004718.1, residues 479-499): PALGVITDKL[Gln489His]ISEDVAGATF

ClinVar aggregate classification (germline): Uncertain significance (1 of 4 stars; one submission).

Allele frequency attached by ClinVar (database versions not stated): TOPMed 0.00001; ESP Exome Variant Server 0.00008.
gnomAD v4.1: 1 of 1,614,076 alleles (0.000062%); highest among the groups gnomAD compares: Non-Finnish European, 0.000085%; no homozygotes.

Submission:

Labcorp Genetics (formerly Invitae), Labcorp
Classification: Uncertain significance. Last evaluated: 2022-10-04. Review status: criteria provided, single submitter. Criteria: Invitae Variant Classification Sherloc (09022015). Collection method: clinical testing. Allele origin: germline.
Comment: In summary, the available evidence is currently insufficient to determine the role of this variant in disease. Therefore, it has been classified as a Variant of Uncertain Significance. Algorithms developed to predict the effect of missense changes on protein structure and function are either unavailable or do not agree on the potential impact of this missense change (SIFT: "Tolerated"; PolyPhen-2: "Probably Damaging"; Align-GVGD: "Class C0"). ClinVar contains an entry for this variant (Variation ID: 964614). This variant has not been reported in the literature in individuals affected with SLC24A1-related conditions. This variant is not present in population databases (gnomAD no frequency). This sequence change replaces glutamine, which is neutral and polar, with histidine, which is basic and polar, at codon 489 of the SLC24A1 protein (p.Gln489His).